The following is an entry in ClinVar:

ClinVar aggregate classification (germline): Likely benign. Review status: criteria provided, multiple submitters, no conflicts (2 of 4 stars). 3 submissions from 3 submitters: Likely benign (3). Last evaluated 2025-11-23.

Conditions:
Immunodeficiency 31B. Also called: STAT1 DEFICIENCY, AUTOSOMAL RECESSIVE; IMMUNODEFICIENCY 31B, MYCOBACTERIAL AND VIRAL INFECTIONS, AUTOSOMAL RECESSIVE. Identifiers: Orphanet 391311, MedGen C3151088, MONDO:0013427, OMIM 613796.
Autoimmune enteropathy and endocrinopathy - susceptibility to chronic infections syndrome. Also called: Immunodeficiency 31C; Immunodeficiency 31C, autosomal dominant. Identifiers: Orphanet 391487, MedGen C3279990, MONDO:0013599, OMIM 614162.
Mendelian susceptibility to mycobacterial diseases due to partial STAT1 deficiency. Also called: IMMUNODEFICIENCY 31A, MYCOBACTERIOSIS, AUTOSOMAL DOMINANT; STAT1 DEFICIENCY, AUTOSOMAL DOMINANT; Immunodeficiency 31a. Identifiers: Orphanet 319595, MedGen C4013950, MONDO:0013956, OMIM 614892.

Allele frequency attached by ClinVar (database versions not stated): TOPMed 0.00005; gnomAD exomes 0.00006 and 0.00009; gnomAD 0.00007; ExAC 0.00008; ESP Exome Variant Server 0.00015.
gnomAD v4.1: 113 of 1,613,886 alleles (0.007%); highest among the groups gnomAD compares: Middle Eastern, 0.016%; no homozygotes.

Submissions (3):

Labcorp Genetics (formerly Invitae), Labcorp
Classification: Likely benign for Mendelian susceptibility to mycobacterial diseases due to partial STAT1 deficiency; Immunodeficiency 31B; Autoimmune enteropathy and endocrinopathy - susceptibility to chronic infections syndrome. Last evaluated: 2025-11-23. Review status: criteria provided, single submitter. Criteria: Invitae Variant Classification Sherloc (09022015). Collection method: clinical testing. Allele origin: germline.

Blueprint Genetics
Classification: Likely benign. Last evaluated: 2024-10-18. Review status: criteria provided, single submitter. Criteria: ACMG Guidelines, 2015. Collection method: clinical testing. Allele origin: germline.

Illumina Laboratory Services, Illumina
Classification: Likely benign for Mendelian susceptibility to mycobacterial diseases due to partial STAT1 deficiency. Last evaluated: 2018-01-12. Review status: criteria provided, single submitter. Criteria: ICSL Variant Classification Criteria 13 December 2019. Collection method: clinical testing. Allele origin: germline.
Comment: This variant was observed in the ICSL laboratory as part of a predisposition screen in an ostensibly healthy population. It had not been previously curated by ICSL or reported in the Human Gene Mutation Database (HGMD: prior to June 1st, 2018), and was therefore a candidate for classification through an automated scoring system. Utilizing variant allele frequency, disease prevalence and penetrance estimates, and inheritance mode, an automated score was calculated to assess if this variant is too frequent to cause the disease. Based on the score and internal cut-off values, a variant classified as likely benign is not then subjected to further curation. The score for this variant resulted in a classification of likely benign for this disease.

NM_007315.4(STAT1):c.186A>G (p.Ser62=)

Gene: STAT1 (signal transducer and activator of transcription 1; minus strand). Cytogenetic location: 2q32.2.
Variant type: single nucleotide variant.
Coding change: c.186A>G on transcript NM_007315.4 (MANE Select); coding-DNA position 186, A replaced by G.
Protein change: p.Ser62=; no amino-acid change (serine 62 retained).
Molecular consequence: synonymous variant.
Genome position (GRCh38, 1-based): chr2:191,009,050, T>C on the plus strand (A>G on the coding strand, the complement: STAT1 is on the minus strand). VCF-style: chr2-191009050-T-C. GRCh37 (hg19) VCF-style: chr2-191873776-T-C.
Other names: c.186A>G, p.Ser62= (NM_001384880.1, NM_001384882.1, NM_001384883.1 and 7 more transcripts); c.192A>G, p.Ser64= (NM_001384881.1, NM_001384884.1); c.222A>G, p.Ser74= (NM_001384891.1).
Identifiers: ClinVar variation 333292 (VCV000333292.14), dbSNP rs146158319, ClinGen allele CA2030310.